The following is an entry in ClinVar:

NM_001378328.1(CELSR1):c.4356C>T (p.Phe1452=)

Gene: CELSR1 (cadherin EGF LAG seven-pass G-type receptor 1; minus strand). Cytogenetic location: 22q13.31.
Variant type: single nucleotide variant.
Coding change: c.4356C>T on transcript NM_001378328.1 (MANE Select); coding-DNA position 4356, C replaced by T.
Protein change: p.Phe1452=; no amino-acid change (phenylalanine 1452 retained).
Molecular consequence: synonymous variant.
Genome position (GRCh38, 1-based): chr22:46,439,239, G>A on the plus strand (C>T on the coding strand, the complement: CELSR1 is on the minus strand). VCF-style: chr22-46439239-G-A. GRCh37 (hg19) VCF-style: chr22-46835136-G-A.
Other names: c.4356C>T, p.Phe1452= (NM_014246.4).
Identifiers: ClinVar variation 2653335 (VCV002653335.24), dbSNP rs374035466, ClinGen allele CA10294706.

ClinVar aggregate classification (germline): Benign (1 of 4 stars; one submission).

Allele frequency attached by ClinVar (database versions not stated): ESP Exome Variant Server 0.00008; gnomAD 0.00008; gnomAD exomes 0.00008; TOPMed 0.00012; ExAC 0.00028.
gnomAD v4.1: 123 of 1,613,958 alleles (0.0076%); highest among the groups gnomAD compares: Admixed American, 0.14%; 1 homozygote.

Submission:

CeGaT Center for Human Genetics Tuebingen
Classification: Benign. Last evaluated: 2022-09-01. Review status: criteria provided, single submitter. Criteria: CeGaT Center For Human Genetics Tuebingen Variant Classification Criteria Version 2. Collection method: clinical testing. Allele origin: germline. Affected: yes. Observed: 1 variant allele.
Comment: CELSR1: BS1, BS2